The following is an entry in ClinVar:

NM_000053.4(ATP7B):c.2715G>C (p.Glu905Asp)

Gene: ATP7B (ATPase copper transporting beta; minus strand). Cytogenetic location: 13q14.3.
Variant type: single nucleotide variant.
Coding change: c.2715G>C on transcript NM_000053.4 (MANE Select); coding-DNA position 2715, G replaced by C.
Protein change: p.Glu905Asp; replaces glutamic acid 905 with aspartic acid.
Molecular consequence: missense variant.
Genome position (GRCh38, 1-based): chr13:51,950,022, C>G on the plus strand (G>C on the coding strand, the complement: ATP7B is on the minus strand). VCF-style: chr13-51950022-C-G. GRCh37 (hg19) VCF-style: chr13-52524158-C-G.
Other names: c.2229G>C, p.Glu743Asp (NM_001005918.3); c.2382G>C, p.Glu794Asp (NM_001243182.2); c.2481G>C, p.Glu827Asp (NM_001330578.2); c.2463G>C, p.Glu821Asp (NM_001330579.2); short protein forms E905D, E821D, E827D, E743D, E794D.
Identifiers: ClinVar variation 623827 (VCV000623827.50), dbSNP rs923227127, ClinGen allele CA250085161.
Genomic context (GRCh38, chr13:51,950,022, plus strand): 5'-CTAAAACGAGAAAGATGAAGTTAGTTTTAAAAATTTCTTCATTACCTTTGACATCTGAGC[C>G]TCTTCCACCAGTTTCACAATCTGAGCCAAAGTGGTGTCATTGCCCACGTGGGTAGCTTTA-3'
Protein context (NP_000044.2, residues 895-915): TLAQIVKLVE[Glu905Asp]AQMSKAPIQQ

ClinVar aggregate classification (germline): Uncertain significance. Review status: criteria provided, multiple submitters, no conflicts (2 of 4 stars). 6 submissions from 6 submitters: Uncertain significance (6). Last evaluated 2026-03-24.

Conditions:
Wilson disease (WND). Also called: Wilson's disease. Identifiers: Orphanet 905, MedGen C0019202, MONDO:0010200, OMIM 277900. Disease mechanism: loss of function.

Allele frequency attached by ClinVar (database versions not stated): gnomAD 0.00001; gnomAD exomes 0.00001 and 0.00002; TOPMed 0.00001.
gnomAD v4.1: 37 of 1,614,100 alleles (0.0023%); highest among the groups gnomAD compares: Non-Finnish European, 0.0029%; no homozygotes.

Submissions (6):

Myriad Genetics, Inc.
Classification: Uncertain significance for Wilson disease. Last evaluated: 2026-03-24. Review status: criteria provided, single submitter. Criteria: Myriad Autosomal Dominant, Autosomal Recessive and X-Linked Classification Criteria (2023). Collection method: clinical testing. Allele origin: unknown.
Comment: NM_000053.3(ATP7B):c.2715G>C(E905D) is a missense variant classified as a variant of uncertain significance in the context of Wilson disease. E905D has been observed in a case with relevant disease (PMID: 39933775). Relevant functional assessments of this variant are not available in the literature. E905D has been observed in referenced population frequency databases. In summary, there is insufficient evidence to classify NM_000053.3(ATP7B):c.2715G>C(E905D) as pathogenic or benign. Please note: this variant was assessed in the context of healthy population screening.

Color Diagnostics, LLC DBA Color Health
Classification: Uncertain significance for Wilson disease. Last evaluated: 2025-10-10. Review status: criteria provided, single submitter. Criteria: ACMG Guidelines, 2015. Collection method: clinical testing. Allele origin: germline.
Comment: This missense variant replaces glutamic acid with aspartic acid at codon 905 of the ATP7B protein. Computational prediction is inconclusive regarding the impact of this variant on protein structure and function. To our knowledge, functional studies have not been reported for this variant. This variant has been reported with a pathogenic variant in an individual affected with autosomal recessive Wilson disease (PMID: 39933775). This variant has been identified in 3/249570 chromosomes in the general population by the Genome Aggregation Database (gnomAD). The available evidence is insufficient to determine the role of this variant in disease conclusively. Therefore, this variant is classified as a Variant of Uncertain Significance.

All of Us Research Program, National Institutes of Health
Classification: Uncertain significance for Wilson disease. Last evaluated: 2023-12-13. Review status: criteria provided, single submitter. Criteria: ACMG Guidelines, 2015. Collection method: clinical testing. Allele origin: germline. Inheritance: Autosomal recessive inheritance. Observed: 9 variant alleles, 9 heterozygotes.
Comment: This missense variant replaces glutamic acid with aspartic acid at codon 905 of the ATP7B protein. Computational prediction is inconclusive regarding the impact of this variant on protein structure and function (internally defined REVEL score threshold 0.5 < inconclusive < 0.7, PMID: 27666373). To our knowledge, functional studies have not been reported for this variant. This variant has not been reported in individuals affected with Wilson disease in the literature. This variant has been identified in 3/249570 chromosomes in the general population by the Genome Aggregation Database (gnomAD). The available evidence is insufficient to determine the role of this variant in disease conclusively. Therefore, this variant is classified as a Variant of Uncertain Significance.

This study involves interpretation of variants in research participants for the purpose of population health screening. Participant phenotype was not available at the time of variant classification. Additional details can be found in publication PMID: 35346344, PMCID: PMC8962531

Fulgent Genetics
Classification: Uncertain significance for Wilson disease. Last evaluated: 2022-05-25. Review status: criteria provided, single submitter. Criteria: ACMG Guidelines, 2015. Collection method: clinical testing. Allele origin: unknown.

Labcorp Genetics (formerly Invitae), Labcorp
Classification: Uncertain significance for Wilson disease. Last evaluated: 2021-08-27. Review status: criteria provided, single submitter. Criteria: Invitae Variant Classification Sherloc (09022015). Collection method: clinical testing. Allele origin: germline.
Comment: This sequence change replaces glutamic acid with aspartic acid at codon 905 of the ATP7B protein (p.Glu905Asp). The glutamic acid residue is highly conserved and there is a small physicochemical difference between glutamic acid and aspartic acid. This variant is not present in population databases (ExAC no frequency). This variant has not been reported in the literature in individuals affected with ATP7B-related conditions. Algorithms developed to predict the effect of missense changes on protein structure and function are either unavailable or do not agree on the potential impact of this missense change (SIFT: "Deleterious"; PolyPhen-2: "Benign"; Align-GVGD: "Class C35"). In summary, the available evidence is currently insufficient to determine the role of this variant in disease. Therefore, it has been classified as a Variant of Uncertain Significance.

CeGaT Center for Human Genetics Tuebingen
Classification: Uncertain significance. Last evaluated: 2018-09-01. Review status: criteria provided, single submitter. Criteria: CeGaT Center For Human Genetics Tuebingen Variant Classification Criteria Version 2. Collection method: clinical testing. Allele origin: germline. Affected: yes. Observed: 1 variant allele.

Literature cited by the submitters: PubMed 39933775 (cited by Myriad Genetics, Inc. and Color Diagnostics, LLC DBA Color Health).